The following is an entry in ClinVar:

ClinVar aggregate classification (germline): Pathogenic. Review status: criteria provided, multiple submitters, no conflicts (2 of 4 stars). 4 submissions from 4 submitters: Pathogenic (3). 1 of the submissions does not count toward it. Last evaluated 2026-01-01.

Conditions:
Megaloblastic anemia, thiamine-responsive, with diabetes mellitus and sensorineural deafness (TRMA). Also called: THIAMINE METABOLISM DYSFUNCTION SYNDROME 1 (MEGALOBLASTIC ANEMIA, DIABETES MELLITUS, AND DEAFNESS TYPE); Thiamine-Responsive Megaloblastic Anemia Syndrome; ROGERS SYNDROME; THIAMINE-RESPONSIVE ANEMIA SYNDROME; THIAMINE-RESPONSIVE MYELODYSPLASIA. Identifiers: Orphanet 49827, MedGen C0342287, MONDO:0009575, OMIM 249270.
Permanent neonatal diabetes mellitus (PNDM). Identifiers: Orphanet 99885, MedGen C1833104, MONDO:0100164, MONDO:0011643. Disease mechanism: gain of function.

Allele frequency attached by ClinVar (database versions not stated): ExAC 0.00001; TOPMed 0.00001.

Submissions (4):

Genomic Medicine Center of Excellence, King Faisal Specialist Hospital and Research Centre
Classification: Pathogenic for Permanent Neonatal Diabetes Mellitus. Last evaluated: 2026-01-01. Review status: criteria provided, single submitter. Criteria: ACMG Guidelines, 2015. Collection method: clinical testing. Allele origin: germline. Affected: yes.

Labcorp Genetics (formerly Invitae), Labcorp
Classification: Pathogenic. Last evaluated: 2025-09-10. Review status: criteria provided, single submitter. Criteria: Invitae Variant Classification Sherloc (09022015). Collection method: clinical testing. Allele origin: germline.
Comment: This sequence change replaces serine, which is neutral and polar, with phenylalanine, which is neutral and non-polar, at codon 143 of the SLC19A2 protein (p.Ser143Phe). This variant is present in population databases (rs761957186, gnomAD 0.006%). This missense change has been observed in individual(s) with thiamine-responsive megaloblastic anemia (PMID: 10874303, 29450569). This variant is also known as p.S142F. ClinVar contains an entry for this variant (Variation ID: 492806). Invitae Evidence Modeling of protein sequence and biophysical properties (such as structural, functional, and spatial information, amino acid conservation, physicochemical variation, residue mobility, and thermodynamic stability) indicates that this missense variant is expected to disrupt SLC19A2 protein function with a positive predictive value of 95%. For these reasons, this variant has been classified as Pathogenic.

Women's Health and Genetics/Laboratory Corporation of America, LabCorp
Classification: Pathogenic for Megaloblastic anemia, thiamine-responsive, with diabetes mellitus and sensorineural deafness. Last evaluated: 2024-08-22. Review status: criteria provided, single submitter. Criteria: LabCorp Variant Classification Summary - May 2015. Collection method: clinical testing. Allele origin: germline.
Comment: Variant summary: SLC19A2 c.428C>T (p.Ser143Phe) results in a non-conservative amino acid change in the encoded protein sequence. Five of five in-silico tools predict a damaging effect of the variant on protein function. The variant allele was found at a frequency of 8e-06 in 251420 control chromosomes. c.428C>T has been reported in the literature at a homozygous state in at-least three individuals affected with Thiamine-Responsive Megaloblastic Anemia (example, Raz_2000, Habeb_2018) . These data indicate that the variant is very likely to be associated with disease. At least one publication reports experimental evidence evaluating an impact on protein function. The most pronounced variant effect results in about 30% of Thiamine upd activity of WT in HeLa cells (Balamurugan_2002). The following publications have been ascertained in the context of this evaluation (PMID: 12065289, 29450569, 10874303). ClinVar contains an entry for this variant (Variation ID: 492806). Based on the evidence outlined above, the variant was classified as pathogenic.

Clinical Molecular Genetics Laboratory, Johns Hopkins All Children's Hospital
Classification: Pathogenic for Megaloblastic anemia, thiamine-responsive, with diabetes mellitus and sensorineural deafness. Last evaluated: 2013-09-03. Review status: no assertion criteria provided. Collection method: clinical testing. Allele origin: germline. Affected: yes. Not counted in ClinVar's aggregate classification.

Literature cited by the submitters: PubMed 10874303 (cited by Labcorp Genetics (formerly Invitae), Labcorp and Women's Health and Genetics/Laboratory Corporation of America, LabCorp); PubMed 29450569 (cited by Labcorp Genetics (formerly Invitae), Labcorp and Women's Health and Genetics/Laboratory Corporation of America, LabCorp); PubMed 12065289 (cited by Women's Health and Genetics/Laboratory Corporation of America, LabCorp).

NM_006996.3(SLC19A2):c.428C>T (p.Ser143Phe)

Gene: SLC19A2 (solute carrier family 19 member 2; minus strand). Cytogenetic location: 1q24.2.
Variant type: single nucleotide variant.
Coding change: c.428C>T on transcript NM_006996.3 (MANE Select); coding-DNA position 428, C replaced by T.
Protein change: p.Ser143Phe; replaces serine 143 with phenylalanine.
Molecular consequence: missense variant. On other transcripts: intron variant (1).
Genome position (GRCh38, 1-based): chr1:169,477,534, G>A on the plus strand (C>T on the coding strand, the complement: SLC19A2 is on the minus strand). VCF-style: chr1-169477534-G-A. GRCh37 (hg19) VCF-style: chr1-169446772-G-A.
Other names: c.205-7348C>T (NM_001319667.1); short protein forms S143F.
Identifiers: ClinVar variation 492806 (VCV000492806.7), dbSNP rs761957186, ClinGen allele CA1233071.